The following is an entry in ClinVar:

NM_025219.3(DNAJC5):c.*3269C>G

Gene: DNAJC5 (DnaJ heat shock protein family (Hsp40) member C5; plus strand). Cytogenetic location: 20q13.33.
Variant type: single nucleotide variant.
Coding change: c.*3269C>G on transcript NM_025219.3 (MANE Select); 3269 bases downstream of the stop codon, C replaced by G.
Molecular consequence: 3 prime UTR variant.
Genome position (GRCh38, 1-based): chr20:63,934,837, C>G. VCF-style: chr20-63934837-C-G. GRCh37 (hg19) VCF-style: chr20-62566190-C-G.
Identifiers: ClinVar variation 339425 (VCV000339425.6), dbSNP rs528394634, ClinGen allele CA10652805.
Genomic context (GRCh38, chr20:63,934,837, plus strand): 5'-TCACGTCGGCTGCTGCCATCCAGAAGAGGCCCTGGAGCCTCACGCCGTCGAGGCTGCTCT[C>G]AGGCGTTCTGTTCCGGGCGAGGCTTGTGCTGCAAGGAAGGGCACCAGCATGCAGGCTGCC-3'

ClinVar aggregate classification (germline): Benign (1 of 4 stars; one submission).

Conditions:
Ceroid lipofuscinosis, neuronal, 4 (Kufs type) (CLN4). Also called: Neuronal ceroid lipofuscinosis 4B; Ceroid lipofuscinosis, neuronal, 4, Parry type. Identifiers: Orphanet 228343, Orphanet 79262, MedGen C1834207, MONDO:0008083, OMIM 162350.

Allele frequency attached by ClinVar (database versions not stated): gnomAD 0.00101 and 0.00107; TOPMed 0.00122; 1000 Genomes Project 30x 0.00172; 1000 Genomes Project 0.00180.
gnomAD v4.1: 152 of 152,392 alleles (0.1%); highest among the groups gnomAD compares: African/African-American, 0.36%; no homozygotes.

Submission:

Illumina Laboratory Services, Illumina
Classification: Benign for Ceroid lipofuscinosis, neuronal, 4 (Kufs type). Last evaluated: 2018-01-12. Review status: criteria provided, single submitter. Criteria: ICSL Variant Classification Criteria 13 December 2019. Collection method: clinical testing. Allele origin: germline.
Comment: This variant was observed in the ICSL laboratory as part of a predisposition screen in an ostensibly healthy population. It had not been previously curated by ICSL or reported in the Human Gene Mutation Database (HGMD: prior to June 1st, 2018), and was therefore a candidate for classification through an automated scoring system. Utilizing variant allele frequency, disease prevalence and penetrance estimates, and inheritance mode, an automated score was calculated to assess if this variant is too frequent to cause the disease. Based on the score and internal cut-off values, a variant classified as benign is not then subjected to further curation. The score for this variant resulted in a classification of benign for this disease.